The following is an entry in ClinVar:

NM_003900.5(SQSTM1):c.473G>A (p.Gly158Asp)

Gene: SQSTM1 (sequestosome 1; plus strand). Cytogenetic location: 5q35.3.
Variant type: single nucleotide variant.
Coding change: c.473G>A on transcript NM_003900.5 (MANE Select); coding-DNA position 473, G replaced by A.
Protein change: p.Gly158Asp; replaces glycine 158 with aspartic acid.
Molecular consequence: missense variant.
Genome position (GRCh38, 1-based): chr5:179,824,029, G>A. VCF-style: chr5-179824029-G-A. GRCh37 (hg19) VCF-style: chr5-179251029-G-A.
Other names: c.221G>A, p.Gly74Asp (NM_001142298.2, NM_001142299.2); short protein forms G74D, G158D.
Identifiers: ClinVar variation 2048429 (VCV002048429.4), dbSNP rs776866832, ClinGen allele CA3600516.
Genomic context (GRCh38, chr5:179,824,029, plus strand): 5'-CCCGCTACAAGTGCAGCGTCTGCCCAGACTACGACTTGTGTAGCGTCTGCGAGGGAAAGG[G>A]CTTGCACCGGGGGCACACCAAGCTCGCATTCCCCAGCCCCTTCGGGCACCTGTCTGAGGT-3'
Protein context (NP_003891.1, residues 148-168): YDLCSVCEGK[Gly158Asp]LHRGHTKLAF

ClinVar aggregate classification (germline): Uncertain significance (1 of 4 stars; one submission).

Conditions:
Paget disease of bone 2, early-onset (PDB2). Also called: Paget disease of bone 2. Identifiers: MedGen C4085251, MONDO:0011183, OMIM 602080.
Frontotemporal dementia and/or amyotrophic lateral sclerosis 1 (FTDALS1). Also called: Frontotemporal dementia with motor neuron disease 1; C9orf72 Frontotemporal Dementia and/or Amyotrophic Lateral Sclerosis. Identifiers: Orphanet 275872, MedGen C5779877, MONDO:0007105, OMIM 105550.

Allele frequency attached by ClinVar (database versions not stated): gnomAD exomes below 0.00001; TOPMed below 0.00001; ExAC 0.00001.
gnomAD v4.1: 2 of 1,613,982 alleles (0.00012%); highest among the groups gnomAD compares: Non-Finnish European, 0.00017%; no homozygotes.

Submission:

Labcorp Genetics (formerly Invitae), Labcorp
Classification: Uncertain significance for Paget disease of bone 2, early-onset; Frontotemporal dementia and/or amyotrophic lateral sclerosis 1. Last evaluated: 2021-12-23. Review status: criteria provided, single submitter. Criteria: Invitae Variant Classification Sherloc (09022015). Collection method: clinical testing. Allele origin: germline.
Comment: This sequence change replaces glycine, which is neutral and non-polar, with aspartic acid, which is acidic and polar, at codon 158 of the SQSTM1 protein (p.Gly158Asp). This variant is present in population databases (rs776866832, gnomAD 0.002%). This variant has not been reported in the literature in individuals affected with SQSTM1-related conditions. Algorithms developed to predict the effect of missense changes on protein structure and function are either unavailable or do not agree on the potential impact of this missense change (SIFT: "Tolerated"; PolyPhen-2: "Probably Damaging"; Align-GVGD: "Class C0"). In summary, the available evidence is currently insufficient to determine the role of this variant in disease. Therefore, it has been classified as a Variant of Uncertain Significance.